The following is an entry in ClinVar:

ClinVar aggregate classification (germline): Uncertain significance (1 of 4 stars; one submission).

Submission:

Labcorp Genetics (formerly Invitae), Labcorp
Classification: Uncertain significance. Last evaluated: 2021-08-12. Review status: criteria provided, single submitter. Criteria: Invitae Variant Classification Sherloc (09022015). Collection method: clinical testing. Allele origin: germline.
Comment: In summary, the available evidence is currently insufficient to determine the role of this variant in disease. Therefore, it has been classified as a Variant of Uncertain Significance. Variants that disrupt the consensus splice site are a relatively common cause of aberrant splicing (PMID: 17576681, 9536098). Algorithms developed to predict the effect of sequence changes on RNA splicing suggest that this variant may disrupt the consensus splice site. This variant has not been reported in the literature in individuals affected with POLE-related conditions. This variant is not present in population databases (ExAC no frequency). This sequence change affects codon 303 of the POLE mRNA. It is a 'silent' change, meaning that it does not change the encoded amino acid sequence of the POLE protein. This variant also falls at the last nucleotide of exon 9, which is part of the consensus splice site for this exon.

Literature cited by the submitters: PubMed 17576681; PubMed 9536098.

NM_006231.4(POLE):c.909G>A (p.Gln303=)

Gene: POLE (DNA polymerase epsilon, catalytic subunit; minus strand). Cytogenetic location: 12q24.33.
Variant type: single nucleotide variant.
Coding change: c.909G>A on transcript NM_006231.4 (MANE Select); coding-DNA position 909, G replaced by A.
Protein change: p.Gln303=; no amino-acid change (glutamine 303 retained).
Molecular consequence: synonymous variant.
Genome position (GRCh38, 1-based): chr12:132,676,546, C>T on the plus strand (G>A on the coding strand, the complement: POLE is on the minus strand). VCF-style: chr12-132676546-C-T. GRCh37 (hg19) VCF-style: chr12-133253132-C-T.
Identifiers: ClinVar variation 1477948 (VCV001477948.6), dbSNP rs779801916, ClinGen allele CA482723359.